The following is an entry in ClinVar:

ClinVar aggregate classification (germline): Uncertain significance (1 of 4 stars; one submission).

Allele frequency attached by ClinVar (database versions not stated): TOPMed below 0.00001; gnomAD 0.00001; ExAC 0.00003; gnomAD exomes 0.00003.
gnomAD v4.1: 39 of 1,614,012 alleles (0.0024%); highest among the groups gnomAD compares: South Asian, 0.035%; no homozygotes.

Submission:

Labcorp Genetics (formerly Invitae), Labcorp
Classification: Uncertain significance. Last evaluated: 2021-08-28. Review status: criteria provided, single submitter. Criteria: Invitae Variant Classification Sherloc (09022015). Collection method: clinical testing. Allele origin: germline.
Comment: This sequence change replaces lysine with arginine at codon 1521 of the LRRK1 protein (p.Lys1521Arg). The lysine residue is moderately conserved and there is a small physicochemical difference between lysine and arginine. This variant is present in population databases (rs753181668, ExAC 0.02%). This variant has not been reported in the literature in individuals affected with LRRK1-related conditions. Algorithms developed to predict the effect of missense changes on protein structure and function (SIFT, PolyPhen-2, Align-GVGD) all suggest that this variant is likely to be tolerated. In summary, the available evidence is currently insufficient to determine the role of this variant in disease. Therefore, it has been classified as a Variant of Uncertain Significance.

NM_024652.6(LRRK1):c.4562A>G (p.Lys1521Arg)

Genes: LRRK1 (leucine rich repeat kinase 1; plus strand), LRRK1-AS1 (LRRK1 antisense RNA 1; minus strand). Cytogenetic location: 15q26.3.
Variant type: single nucleotide variant.
Coding change: c.4562A>G on transcript NM_024652.6 (MANE Select); coding-DNA position 4562, A replaced by G.
Protein change: p.Lys1521Arg; replaces lysine 1521 with arginine.
Molecular consequence: missense variant.
Genome position (GRCh38, 1-based): chr15:101,058,024, A>G. VCF-style: chr15-101058024-A-G. GRCh37 (hg19) VCF-style: chr15-101598229-A-G.
Other names: short protein forms K1521R.
Identifiers: ClinVar variation 1426121 (VCV001426121.5), dbSNP rs753181668, ClinGen allele CA7761894.